The following is an entry in ClinVar:

NM_001377.3(DYNC2H1):c.4312T>C (p.Leu1438=)

Gene: DYNC2H1 (dynein cytoplasmic 2 heavy chain 1; plus strand). Cytogenetic location: 11q22.3.
Variant type: single nucleotide variant.
Coding change: c.4312T>C on transcript NM_001377.3 (MANE Select); coding-DNA position 4312, T replaced by C.
Protein change: p.Leu1438=; no amino-acid change (leucine 1438 retained).
Molecular consequence: synonymous variant.
Genome position (GRCh38, 1-based): chr11:103,158,961, T>C. VCF-style: chr11-103158961-T-C. GRCh37 (hg19) VCF-style: chr11-103029690-T-C.
Other names: c.4312T>C, p.Leu1438= (NM_001080463.2).
Identifiers: ClinVar variation 512239 (VCV000512239.42), dbSNP rs367841359, ClinGen allele CA6253528.
Genomic context (GRCh38, chr11:103,158,961, plus strand): 5'-TTTTATTAGGAAAAACGCTCAGCATTCCCAAGATTTTATTTTATTGGTGATGATGACTTA[T>C]TAGAAATATTGGGCCAGTCTACCAACCCATCAGTGATTCAGTCTCACCTGAAGAAGCTTT-3'
Protein context (NP_001368.2, residues 1428-1448): RFYFIGDDDL[Leu1438=]EILGQSTNPS

ClinVar aggregate classification (germline): Conflicting classifications of pathogenicity. Review status: criteria provided, conflicting classifications (1 of 4 stars). 6 submissions from 6 submitters: Uncertain significance (1); Likely benign (5). Last evaluated 2026-01-05.

Conditions:
Asphyxiating thoracic dystrophy 3. Also called: SHORT-RIB THORACIC DYSPLASIA 3 WITH OR WITHOUT POLYDACTYLY; POLYDACTYLY WITH NEONATAL CHONDRODYSTROPHY, TYPE I; SHORT-RIB THORACIC DYSPLASIA 3/6 WITH POLYDACTYLY, DIGENIC; Short rib polydactyly syndrome 2B; Saldino-Noonan Syndrome. Identifiers: Orphanet 474, Orphanet 93269, Orphanet 93270, Orphanet 93271, MedGen C0036069, MONDO:0013127, OMIM 613091.
Jeune thoracic dystrophy. Also called: Infantile thoracic dystrophy; Thoracic pelvic phalangeal dystrophy; Jeune's syndrome; Chondroectodermal dysplasia-like syndrome; Short-rib thoracic dysplasia; Jeune syndrome. Identifiers: Orphanet 474, MedGen C0265275, MONDO:0018770.

Allele frequency attached by ClinVar (database versions not stated): gnomAD exomes 0.00049 and 0.00084; ExAC 0.00053; gnomAD 0.00054 and 0.00055; TOPMed 0.00056; ESP Exome Variant Server 0.00094; 1000 Genomes Project 0.00020; 1000 Genomes Project 30x 0.00031.
gnomAD v4.1: 1,280 of 1,613,418 alleles (0.079%); highest among the groups gnomAD compares: Non-Finnish European, 0.1%; 2 homozygotes.

Submissions (6):

Labcorp Genetics (formerly Invitae), Labcorp
Classification: Likely benign for Jeune thoracic dystrophy. Last evaluated: 2026-01-05. Review status: criteria provided, single submitter. Criteria: Invitae Variant Classification Sherloc (09022015). Collection method: clinical testing. Allele origin: germline.

Laboratory of Genetics, Children's Clinical University Hospital Latvia
Classification: Likely benign. Last evaluated: 2025-02-16. Review status: criteria provided, single submitter. Criteria: ACMG Guidelines, 2015. Collection method: clinical testing. Allele origin: germline. Affected: yes.

Blueprint Genetics
Classification: Likely benign. Last evaluated: 2024-10-18. Review status: criteria provided, single submitter. Criteria: ACMG Guidelines, 2015. Collection method: clinical testing. Allele origin: germline.

CeGaT Center for Human Genetics Tuebingen
Classification: Likely benign. Last evaluated: 2022-10-01. Review status: criteria provided, single submitter. Criteria: CeGaT Center For Human Genetics Tuebingen Variant Classification Criteria Version 2. Collection method: clinical testing. Allele origin: germline. Affected: yes. Observed: 1 variant allele.
Comment: DYNC2H1: BP4, BP7

GeneDx
Classification: Likely benign. Last evaluated: 2020-11-25. Review status: criteria provided, single submitter. Criteria: GeneDx Variant Classification Process June 2021. Collection method: clinical testing. Allele origin: germline. Affected: yes.

Illumina Laboratory Services, Illumina
Classification: Uncertain significance for Asphyxiating thoracic dystrophy 3. Last evaluated: 2018-03-02. Review status: criteria provided, single submitter. Criteria: ICSL Variant Classification Criteria 13 December 2019. Collection method: clinical testing. Allele origin: germline.